The following is an entry in ClinVar:

NM_001130082.3(PLXNB1):c.2652C>G (p.Pro884=)

Gene: PLXNB1 (plexin B1; minus strand). Cytogenetic location: 3p21.31.
Variant type: single nucleotide variant.
Coding change: c.2652C>G on transcript NM_001130082.3 (MANE Select); coding-DNA position 2652, C replaced by G.
Protein change: p.Pro884=; no amino-acid change (proline 884 retained).
Molecular consequence: synonymous variant.
Genome position (GRCh38, 1-based): chr3:48,419,634, G>C on the plus strand (C>G on the coding strand, the complement: PLXNB1 is on the minus strand). VCF-style: chr3-48419634-G-C. GRCh37 (hg19) VCF-style: chr3-48461043-G-C.
Other names: c.2652C>G, p.Pro884= (NM_002673.6).
Identifiers: ClinVar variation 3043816 (VCV003043816.2), dbSNP rs746347488, ClinGen allele CA433612207.

ClinVar aggregate classification (germline): Likely benign (0 of 4 stars; one submission).

Conditions:
PLXNB1-related disorder. Also called: PLXNB1-related condition.

gnomAD v4.1: 11 of 1,612,522 alleles (0.00068%); highest among the groups gnomAD compares: Middle Eastern, 0.099%; no homozygotes.

Submission:

PreventionGenetics, part of Exact Sciences
Classification: Likely benign for PLXNB1-related condition. Last evaluated: 2019-06-07. Review status: no assertion criteria provided. Collection method: clinical testing. Allele origin: germline.
Comment: This variant is classified as likely benign based on ACMG/AMP sequence variant interpretation guidelines (Richards et al. 2015 PMID: 25741868, with internal and published modifications).